The following is an entry in ClinVar:

ClinVar aggregate classification (germline): Likely benign. Review status: criteria provided, multiple submitters, no conflicts (2 of 4 stars). 2 submissions from 2 submitters: Likely benign (2). Last evaluated 2026-06-22.

Conditions:
SEMA4A-related disorder. Also called: SEMA4A-related condition.

Allele frequency attached by ClinVar (database versions not stated): gnomAD 0.00001.

Submissions (2):

PreventionGenetics, part of Exact Sciences
Classification: Likely benign for SEMA4A-related condition. Last evaluated: 2026-06-22. Review status: criteria provided, single submitter. Criteria: ACMG Guidelines, 2015. Collection method: clinical testing. Allele origin: germline.
Comment: This variant is classified as likely benign based on ACMG/AMP sequence variant interpretation guidelines (Richards et al. 2015 PMID: 25741868, with internal and published modifications).

Labcorp Genetics (formerly Invitae), Labcorp
Classification: Likely benign. Last evaluated: 2025-12-06. Review status: criteria provided, single submitter. Criteria: Invitae Variant Classification Sherloc (09022015). Collection method: clinical testing. Allele origin: germline.

NM_022367.4(SEMA4A):c.660C>T (p.Thr220=)

Gene: SEMA4A (semaphorin 4A; plus strand). Cytogenetic location: 1q22.
Variant type: single nucleotide variant.
Coding change: c.660C>T on transcript NM_022367.4 (MANE Select); coding-DNA position 660, C replaced by T.
Protein change: p.Thr220=; no amino-acid change (threonine 220 retained).
Molecular consequence: synonymous variant.
Genome position (GRCh38, 1-based): chr1:156,160,534, C>T. VCF-style: chr1-156160534-C-T. GRCh37 (hg19) VCF-style: chr1-156130325-C-T.
Other names: c.660C>T, p.Thr220= (NM_001193300.2, NM_001193301.2, NM_001370567.1); c.264C>T, p.Thr88= (NM_001193302.2); c.363C>T, p.Thr121= (NM_001370568.1); c.153C>T, p.Thr51= (NM_001370569.1, NM_001370571.1); c.660C>T (NM_022367.3).
Identifiers: ClinVar variation 1951858 (VCV001951858.6), dbSNP rs2102955070, ClinGen allele CA421070023.
Genomic context (GRCh38, chr1:156,160,534, plus strand): 5'-CTTCCTGGGCAGTGAGCCCATCCTGATGCGCACACTGGGATCCCAGCCTGTCCTCAAGAC[C>T]GACAACTTCCTCCGCTGGCTGCATCGTAAGGACCTGACCCCCGCTGGCCTCCTTTCCTGA-3'
Protein context (NP_071762.2, residues 210-230): RTLGSQPVLK[Thr220=]DNFLRWLHHD